The following is an entry in ClinVar:

NM_021072.4(HCN1):c.685T>A (p.Ser229Thr)

Gene: HCN1 (hyperpolarization activated cyclic nucleotide gated potassium channel 1; minus strand). Cytogenetic location: 5p12.
Variant type: single nucleotide variant.
Coding change: c.685T>A on transcript NM_021072.4 (MANE Select); coding-DNA position 685, T replaced by A.
Protein change: p.Ser229Thr; replaces serine 229 with threonine.
Molecular consequence: missense variant.
Genome position (GRCh38, 1-based): chr5:45,645,349, A>T on the plus strand (T>A on the coding strand, the complement: HCN1 is on the minus strand). VCF-style: chr5-45645349-A-T. GRCh37 (hg19) VCF-style: chr5-45645451-A-T.
Other names: short protein forms S229T.
Identifiers: ClinVar variation 589246 (VCV000589246.5), dbSNP rs1561230513, ClinGen allele CA359707347.
Genomic context (GRCh38, chr5:45,645,349, plus strand): 5'-TGTAAACTTCAGAATCCATTCCTTTTTCTACAATAAGAAAGATATAATCCACTGGGATGG[A>T]TGAGATGAAGTCAACCACAAACCAGCTTTTTAAATAATTCATCTTGATCACTTTGGGGTC-3'
Protein context (NP_066550.2, residues 219-239): KSWFVVDFIS[Ser229Thr]IPVDYIFLIV

ClinVar aggregate classification (germline): Uncertain significance (1 of 4 stars; one submission).

Conditions:
Inborn genetic diseases. Identifiers: MedGen C0950123, MeSH D030342.

Submission:

Ambry Genetics
Classification: Uncertain significance for Inborn genetic diseases. Last evaluated: 2018-01-31. Review status: criteria provided, single submitter. Criteria: Ambry Variant Classification Scheme 2023. Collection method: clinical testing. Allele origin: germline.
Comment: The p.S229T variant (also known as c.685T>A), located in coding exon 2 of the HCN1 gene, results from a T to A substitution at nucleotide position 685. The serine at codon 229 is replaced by threonine, an amino acid with similar properties. This variant was not reported in population based cohorts in the following databases: Database of Single Nucleotide Polymorphisms (dbSNP), NHLBI Exome Sequencing Project (ESP), and 1000 Genomes Project. In the ESP, this variant was not observed in 6502 samples (13004 alleles) with coverage at this position. This amino acid position is highly conserved in available vertebrate species. In addition, this alteration is predicted to be deleterious by in silico analysis. Since supporting evidence is limited at this time, the clinical significance of this alteration remains unclear.